The following is an entry in ClinVar:

NM_000478.6(ALPL):c.757G>A (p.Val253Ile)

Gene: ALPL (alkaline phosphatase, biomineralization associated; plus strand). Cytogenetic location: 1p36.12.
Variant type: single nucleotide variant.
Coding change: c.757G>A on transcript NM_000478.6 (MANE Select); coding-DNA position 757, G replaced by A.
Protein change: p.Val253Ile; replaces valine 253 with isoleucine.
Molecular consequence: missense variant.
Genome position (GRCh38, 1-based): chr1:21,568,212, G>A. VCF-style: chr1-21568212-G-A. GRCh37 (hg19) VCF-style: chr1-21894705-G-A.
Other names: c.592G>A, p.Val198Ile (NM_001127501.4); c.526G>A, p.Val176Ile (NM_001177520.3); c.757G>A, p.Val253Ile (NM_001369803.2, NM_001369804.2, NM_001369805.2); short protein forms V253I, V176I, V198I.
Identifiers: ClinVar variation 434139 (VCV000434139.9), dbSNP rs151270365, ClinGen allele CA666595.

ClinVar aggregate classification (germline): Uncertain significance. Review status: criteria provided, multiple submitters, no conflicts (2 of 4 stars). 4 submissions from 4 submitters: Uncertain significance (4). Last evaluated 2026-09-01.

Conditions:
Hypophosphatasia. Also called: Phosphoethanol-aminuria. Identifiers: Orphanet 436, MedGen C0020630, MeSH D007014, MONDO:0018570.

Allele frequency attached by ClinVar (database versions not stated): gnomAD 0.00003 and 0.00005; TOPMed 0.00003; 1000 Genomes Project 30x 0.00016; 1000 Genomes Project 0.00020.
gnomAD v4.1: 39 of 1,614,026 alleles (0.0024%); highest among the groups gnomAD compares: African/African-American, 0.013%; no homozygotes.

Submissions (4):

Genomenon, Inc
Classification: Uncertain significance for Hypophosphatasia. Last evaluated: 2026-09-01. Review status: criteria provided, single submitter. Criteria: Genomenon Sequence Variant Interpretation Standards - Updated. Collection method: curation. Allele origin: germline. Affected: no.
Comment: ALPL p.Val253Ile (c.757G>A) is a missense variant that changes the amino acid at codon 253 from Valine to Isoleucine. This variant has been reported in the published literature (PMID:32160374). It is absent or not present at a significant frequency in gnomAD. In conclusion, we classify ALPL p.Val253Ile (c.757G>A) as a variant of uncertain significance.

Women's Health and Genetics/Laboratory Corporation of America, LabCorp
Classification: Uncertain significance. Last evaluated: 2026-02-27. Review status: criteria provided, single submitter. Criteria: LabCorp Variant Classification Summary - May 2015. Collection method: clinical testing. Allele origin: germline.
Comment: Variant summary: ALPL c.757G>A (p.Val253Ile) results in a conservative amino acid change in the encoded protein sequence. Algorithms developed to predict the effect of missense changes on protein structure and function all suggest that this variant is likely to be tolerated. The variant allele was found at a frequency of 1.2e-05 in 251356 control chromosomes. The available data on variant occurrences in the general population are insufficient to allow any conclusion about variant significance. To our knowledge, no occurrence of c.757G>A in individuals affected with ALPL-related conditions has been reported. At least one publication reports experimental evidence evaluating an impact on protein function. These results showed no damaging effect of this variant (DelAngel_2020). The following publication has been ascertained in the context of this evaluation (PMID: 32160374). ClinVar contains an entry for this variant (Variation ID: 434139). Based on the evidence outlined above, the variant was classified as uncertain significance.

GeneDx
Classification: Uncertain significance. Last evaluated: 2022-05-25. Review status: criteria provided, single submitter. Criteria: GeneDx Variant Classification Process June 2021. Collection method: clinical testing. Allele origin: germline. Affected: yes.
Comment: In silico analysis supports that this missense variant does not alter protein structure/function; Has not been previously published as pathogenic or benign to our knowledge

Genetic Services Laboratory, University of Chicago
Classification: Uncertain significance. Last evaluated: 2016-11-07. Review status: criteria provided, single submitter. Criteria: ACMG Guidelines, 2015. Collection method: clinical testing. Allele origin: germline. Affected: no.

Literature cited by the submitters: PubMed 32160374 (cited by Genomenon, Inc and Women's Health and Genetics/Laboratory Corporation of America, LabCorp).